The following is an entry in ClinVar:

NM_001278293.3(ARL6):c.550G>T (p.Val184Leu)

Gene: ARL6 (ARF like GTPase 6; plus strand). Cytogenetic location: 3q11.2.
Variant type: single nucleotide variant.
Coding change: c.550G>T on transcript NM_001278293.3 (MANE Select); coding-DNA position 550, G replaced by T.
Protein change: p.Val184Leu; replaces valine 184 with leucine.
Molecular consequence: missense variant. On other transcripts: 3 prime UTR variant (1), non-coding transcript variant (7).
Genome position (GRCh38, 1-based): chr3:97,798,038, G>T. VCF-style: chr3-97798038-G-T. GRCh37 (hg19) VCF-style: chr3-97516882-G-T.
Other names: c.563G>T, p.Cys188Phe (NM_001323513.2); c.*14G>T (NM_001323514.2); c.550G>T, p.Val184Leu (NM_032146.5, NM_177976.3); short protein forms V184L, C188F.
Identifiers: ClinVar variation 941393 (VCV000941393.7), dbSNP rs1389543975, ClinGen allele CA353589795.

ClinVar aggregate classification (germline): Uncertain significance. Review status: criteria provided, single submitter (1 of 4 stars). 2 submissions from 2 submitters: Uncertain significance (1). 1 of the submissions does not count toward it. Last evaluated 2022-03-10.

Conditions:
ARL6-related disorder. Also called: ARL6-related condition.
Bardet-Biedl syndrome 3 (BBS3). Identifiers: Orphanet 110, MedGen C1859564, MONDO:0010832, OMIM 600151.
Retinitis pigmentosa 55 (RP55). Identifiers: Orphanet 791, MedGen C3150808, MONDO:0013312, OMIM 613575.

Allele frequency attached by ClinVar (database versions not stated): gnomAD exomes below 0.00001; gnomAD 0.00001; TOPMed below 0.00001.
gnomAD v4.1: 5 of 1,612,998 alleles (0.00031%); highest among the groups gnomAD compares: Non-Finnish European, 0.00042%; no homozygotes.

Submissions (2):

Labcorp Genetics (formerly Invitae), Labcorp
Classification: Uncertain significance for Retinitis pigmentosa 55; Bardet-Biedl syndrome 3. Last evaluated: 2022-03-10. Review status: criteria provided, single submitter. Criteria: Invitae Variant Classification Sherloc (09022015). Collection method: clinical testing. Allele origin: germline.
Comment: This variant is not present in population databases (gnomAD no frequency). This sequence change replaces valine, which is neutral and non-polar, with leucine, which is neutral and non-polar, at codon 184 of the ARL6 protein (p.Val184Leu). Algorithms developed to predict the effect of missense changes on protein structure and function (SIFT, PolyPhen-2, Align-GVGD) all suggest that this variant is likely to be tolerated. This variant has not been reported in the literature in individuals affected with ARL6-related conditions. ClinVar contains an entry for this variant (Variation ID: 941393). In summary, the available evidence is currently insufficient to determine the role of this variant in disease. Therefore, it has been classified as a Variant of Uncertain Significance.

PreventionGenetics, part of Exact Sciences
Classification: Uncertain significance for ARL6-related condition. Last evaluated: 2023-12-06. Review status: no assertion criteria provided. Collection method: clinical testing. Allele origin: germline. Not counted in ClinVar's aggregate classification.
Comment: The ARL6 c.550G>T variant is predicted to result in the amino acid substitution p.Val184Leu. To our knowledge, this variant has not been reported in the literature or in a large population database, indicating this variant is rare. At this time, the clinical significance of this variant is uncertain due to the absence of conclusive functional and genetic evidence.